The following is an entry in ClinVar:

NM_015102.5(NPHP4):c.835G>T (p.Ala279Ser)

Gene: NPHP4 (nephrocystin 4; minus strand). Cytogenetic location: 1p36.31.
Variant type: single nucleotide variant.
Coding change: c.835G>T on transcript NM_015102.5 (MANE Select); coding-DNA position 835, G replaced by T.
Protein change: p.Ala279Ser; replaces alanine 279 with serine.
Molecular consequence: missense variant. On other transcripts: 5 prime UTR variant (2), non-coding transcript variant (1).
Genome position (GRCh38, 1-based): chr1:5,948,227, C>A on the plus strand (G>T on the coding strand, the complement: NPHP4 is on the minus strand). VCF-style: chr1-5948227-C-A. GRCh37 (hg19) VCF-style: chr1-6008287-C-A.
Other names: c.-532G>T (NM_001291593.2, NM_001291594.2); short protein forms A279S.
Identifiers: ClinVar variation 2006424 (VCV002006424.4), dbSNP rs2523148696, ClinGen allele CA338065369.

ClinVar aggregate classification (germline): Uncertain significance (1 of 4 stars; one submission).

Conditions:
Nephronophthisis. Also called: Juvenile Nephronophthisis. Identifiers: Orphanet 655, MedGen C0687120, MONDO:0019005, HP:0000090.

Submission:

Labcorp Genetics (formerly Invitae), Labcorp
Classification: Uncertain significance for Nephronophthisis. Last evaluated: 2022-12-18. Review status: criteria provided, single submitter. Criteria: Invitae Variant Classification Sherloc (09022015). Collection method: clinical testing. Allele origin: germline.
Comment: This sequence change replaces alanine, which is neutral and non-polar, with serine, which is neutral and polar, at codon 279 of the NPHP4 protein (p.Ala279Ser). This variant is not present in population databases (gnomAD no frequency). This variant has not been reported in the literature in individuals affected with NPHP4-related conditions. Advanced modeling of protein sequence and biophysical properties (such as structural, functional, and spatial information, amino acid conservation, physicochemical variation, residue mobility, and thermodynamic stability) performed at Invitae indicates that this missense variant is not expected to disrupt NPHP4 protein function. In summary, the available evidence is currently insufficient to determine the role of this variant in disease. Therefore, it has been classified as a Variant of Uncertain Significance.